The following is an entry in ClinVar:

ClinVar aggregate classification (germline): Benign. Review status: criteria provided, multiple submitters, no conflicts (2 of 4 stars). 2 submissions from 2 submitters: Benign (2). Last evaluated 2017-04-27.

Conditions:
Acrocallosal syndrome (ACLS). Also called: HALLUX DUPLICATION, POSTAXIAL POLYDACTYLY, AND ABSENCE OF CORPUS CALLOSUM; Schinzel syndrome 1; Absence of corpus callosum with unusual facial appearance, mental deficiency, duplication of the halluces and polydactyly. Identifiers: Orphanet 36, MedGen C0796147, MONDO:0008708, OMIM 200990.

Allele frequency attached by ClinVar (database versions not stated): gnomAD exomes 0.32799; gnomAD 0.41008 and 0.41372; TOPMed 0.42305; 1000 Genomes Project 0.44848; 1000 Genomes Project 30x 0.45159.
gnomAD v4.1: 88,967 of 233,116 alleles (38%); highest among the groups gnomAD compares: African/African-American, 61%; 18,664 homozygotes.

Submissions (2):

Illumina Laboratory Services, Illumina
Classification: Benign for Acrocallosal syndrome. Last evaluated: 2017-04-27. Review status: criteria provided, single submitter. Criteria: ICSL Variant Classification Criteria 13 December 2019. Collection method: clinical testing. Allele origin: germline.
Comment: This variant was observed as part of a predisposition screen in an ostensibly healthy population. A literature search was performed for the gene, cDNA change, and amino acid change (where applicable). No publications were found based on this search. Allele frequency data from public databases was too high to be consistent with this variant causing disease. Therefore, this variant is classified as benign.

Breakthrough Genomics
Classification: Benign. Review status: criteria provided, single submitter. Criteria: ACMG Guidelines, 2015. Collection method: not provided. Allele origin: germline. Inheritance: Autosomal recessive inheritance. Affected: yes.

NM_198525.3(KIF7):c.*344T>C

Gene: KIF7 (kinesin family member 7; minus strand). Cytogenetic location: 15q26.1.
Variant type: single nucleotide variant.
Coding change: c.*344T>C on transcript NM_198525.3 (MANE Select); 344 bases downstream of the stop codon, T replaced by C.
Molecular consequence: 3 prime UTR variant.
Genome position (GRCh38, 1-based): chr15:89,628,075, A>G on the plus strand (T>C on the coding strand, the complement: KIF7 is on the minus strand). VCF-style: chr15-89628075-A-G. GRCh37 (hg19) VCF-style: chr15-90171306-A-G.
Identifiers: ClinVar variation 317342 (VCV000317342.6), dbSNP rs1054435, ClinGen allele CA10646683.